The following is an entry in ClinVar:

NM_002439.5(MSH3):c.3363G>T (p.Lys1121Asn)

Gene: MSH3 (mutS homolog 3; plus strand). Cytogenetic location: 5q14.1.
Variant type: single nucleotide variant.
Coding change: c.3363G>T on transcript NM_002439.5 (MANE Select); coding-DNA position 3363, G replaced by T.
Protein change: p.Lys1121Asn; replaces lysine 1121 with asparagine.
Molecular consequence: missense variant.
Genome position (GRCh38, 1-based): chr5:80,875,811, G>T. VCF-style: chr5-80875811-G-T. GRCh37 (hg19) VCF-style: chr5-80171630-G-T.
Other names: short protein forms K1121N.
Identifiers: ClinVar variation 1501780 (VCV001501780.6), dbSNP rs2112131835, ClinGen allele CA360347401.
Genomic context (GRCh38, chr5:80,875,811, plus strand): 5'-AAAGAGACTCAAGTATTTTGCAAAGTTATGGACGATGCATAATGCACAAGACCTGCAGAA[G>T]TGGACAGAGGAGTTCAACATGGAAGAAACACAGACTTCTCTTCTTCATTAAAATGAAGAC-3'
Protein context (NP_002430.3, residues 1111-1131): WTMHNAQDLQ[Lys1121Asn]WTEEFNMEET

ClinVar aggregate classification (germline): Uncertain significance (1 of 4 stars; one submission).

Submission:

Labcorp Genetics (formerly Invitae), Labcorp
Classification: Uncertain significance. Last evaluated: 2021-08-28. Review status: criteria provided, single submitter. Criteria: Invitae Variant Classification Sherloc (09022015). Collection method: clinical testing. Allele origin: germline.
Comment: In summary, the available evidence is currently insufficient to determine the role of this variant in disease. Therefore, it has been classified as a Variant of Uncertain Significance. Algorithms developed to predict the effect of missense changes on protein structure and function (SIFT, PolyPhen-2, Align-GVGD) all suggest that this variant is likely to be tolerated. This variant has not been reported in the literature in individuals affected with MSH3-related conditions. This variant is not present in population databases (ExAC no frequency). This sequence change replaces lysine with asparagine at codon 1121 of the MSH3 protein (p.Lys1121Asn). The lysine residue is weakly conserved and there is a moderate physicochemical difference between lysine and asparagine.